The following is an entry in ClinVar:

NM_005094.4(SLC27A4):c.715+1G>T

Gene: SLC27A4 (solute carrier family 27 member 4; plus strand). Cytogenetic location: 9q34.11.
Variant type: single nucleotide variant.
Coding change: c.715+1G>T on transcript NM_005094.4 (MANE Select); the canonical splice donor site of the intron after coding-DNA position 715, G replaced by T.
Molecular consequence: splice donor variant.
Genome position (GRCh38, 1-based): chr9:128,348,704, G>T. VCF-style: chr9-128348704-G-T. GRCh37 (hg19) VCF-style: chr9-131110983-G-T.
Identifiers: ClinVar variation 1474709 (VCV001474709.6), dbSNP rs2131259309, ClinGen allele CA375032481.

ClinVar aggregate classification (germline): Likely pathogenic (1 of 4 stars; one submission).

Submission:

Labcorp Genetics (formerly Invitae), Labcorp
Classification: Likely pathogenic. Last evaluated: 2021-08-26. Review status: criteria provided, single submitter. Criteria: Invitae Variant Classification Sherloc (09022015). Collection method: clinical testing. Allele origin: germline.
Comment: In summary, the currently available evidence indicates that the variant is pathogenic, but additional data are needed to prove that conclusively. Therefore, this variant has been classified as Likely Pathogenic. Algorithms developed to predict the effect of sequence changes on RNA splicing suggest that this variant may disrupt the consensus splice site. This variant has not been reported in the literature in individuals affected with SLC27A4-related conditions. This variant is not present in population databases (ExAC no frequency). This sequence change affects a donor splice site in intron 4 of the SLC27A4 gene. It is expected to disrupt RNA splicing. Variants that disrupt the donor or acceptor splice site typically lead to a loss of protein function (PMID: 16199547), and loss-of-function variants in SLC27A4 are known to be pathogenic (PMID: 19631310, 21450060).

Literature cited by the submitters: PubMed 16199547; PubMed 19631310; PubMed 21450060.